The following is an entry in ClinVar:

NM_000217.3(KCNA1):c.523A>G (p.Met175Val)

Gene: KCNA1 (potassium voltage-gated channel subfamily A member 1; plus strand). Cytogenetic location: 12p13.32.
Variant type: single nucleotide variant.
Coding change: c.523A>G on transcript NM_000217.3 (MANE Select); coding-DNA position 523, A replaced by G.
Protein change: p.Met175Val; replaces methionine 175 with valine.
Molecular consequence: missense variant.
Genome position (GRCh38, 1-based): chr12:4,911,901, A>G. VCF-style: chr12-4911901-A-G. GRCh37 (hg19) VCF-style: chr12-5021067-A-G.
Other names: short protein forms M175V.
Identifiers: ClinVar variation 4740129 (VCV004740129.1).

ClinVar aggregate classification (germline): Uncertain significance (1 of 4 stars; one submission).

Conditions:
Episodic ataxia type 1 (EA1). Also called: ATAXIA, EPISODIC, WITH MYOKYMIA; MYOKYMIA WITH PERIODIC ATAXIA; PAROXYSMAL ATAXIA WITH NEUROMYOTONIA, HEREDITARY; Episodic ataxia/myokymia syndrome. Identifiers: Orphanet 37612, Orphanet 972, MedGen C1719788, MONDO:0008047, OMIM 160120.

Submission:

Labcorp Genetics (formerly Invitae), Labcorp
Classification: Uncertain significance for Episodic ataxia type 1. Last evaluated: 2025-12-17. Review status: criteria provided, single submitter. Criteria: Invitae Variant Classification Sherloc (09022015). Collection method: clinical testing. Allele origin: germline.
Comment: This sequence change replaces methionine, which is neutral and non-polar, with valine, which is neutral and non-polar, at codon 175 of the KCNA1 protein (p.Met175Val). This variant is not present in population databases (gnomAD no frequency). This variant has not been reported in the literature in individuals affected with KCNA1-related conditions. Invitae Evidence Modeling of protein sequence and biophysical properties (such as structural, functional, and spatial information, amino acid conservation, physicochemical variation, residue mobility, and thermodynamic stability) indicates that this missense variant is not expected to disrupt KCNA1 protein function with a negative predictive value of 80%. In summary, the available evidence is currently insufficient to determine the role of this variant in disease. Therefore, it has been classified as a Variant of Uncertain Significance.